The following is an entry in ClinVar:

ClinVar aggregate classification (germline): Uncertain significance. Review status: criteria provided, multiple submitters, no conflicts (2 of 4 stars). 2 submissions from 2 submitters: Uncertain significance (2). Last evaluated 2024-05-31.

Conditions:
Baraitser-winter syndrome 2. Identifiers: Orphanet 2995, MedGen C3281235, MONDO:0013812, OMIM 614583.

Submissions (2):

Pittsburgh Clinical Genomics Laboratory, University of Pittsburgh Medical Center
Classification: Uncertain significance for Baraitser-winter syndrome 2. Last evaluated: 2024-05-31. Review status: criteria provided, single submitter. Criteria: ACMG Guidelines, 2015. Collection method: clinical testing. Allele origin: germline. Inheritance: Autosomal dominant inheritance. Affected: yes.
Comment: This sequence variant is a single nucleotide substitution (G>A) at position 110 of the coding sequence of the ACTG1 gene that results in an arginine to histidine amino acid change at residue 37 of the Actin Gamma 1 protein. This is not a previously reported variant in ClinVar but has been reported in individuals affected by hearing loss (PMID: 32341388). This variant is absent from the gnomAD v4.1.0 population database (0/~1610000 alleles). Bioinformatic tools are inconclusive if this amino acid change will be damaging or tolerated, and the Arg37 residue at this position is highly conserved across the vertebrate species examined. Functional studies in fibroblasts show that ACTG1 protein with this variant has equivalent intracellular localization when compared to wildtype protein (PMID: 32341388), however the clinical significance of these findings is unclear. Based upon the evidence, we consider this a variant of uncertain significance. ACMG Criteria: PM2, PP2

Blueprint Genetics
Classification: Uncertain significance. Last evaluated: 2023-10-30. Review status: criteria provided, single submitter. Criteria: ACMG Guidelines, 2015. Collection method: clinical testing. Allele origin: germline.

Literature cited by the submitters: PubMed 32341388 (cited by Pittsburgh Clinical Genomics Laboratory, University of Pittsburgh Medical Center).

NM_001614.5(ACTG1):c.110G>A (p.Arg37His)

Genes: ACTG1 (actin gamma 1; minus strand), LOC130061940 (ATAC-STARR-seq lymphoblastoid active region 12964; plus strand). Cytogenetic location: 17q25.3.
Variant type: single nucleotide variant.
Coding change: c.110G>A on transcript NM_001614.5 (MANE Select); coding-DNA position 110, G replaced by A.
Protein change: p.Arg37His; replaces arginine 37 with histidine.
Molecular consequence: missense variant. On other transcripts: non-coding transcript variant (1).
Genome position (GRCh38, 1-based): chr17:81,512,245, C>T on the plus strand (G>A on the coding strand, the complement: ACTG1 is on the minus strand). VCF-style: chr17-81512245-C-T. GRCh37 (hg19) VCF-style: chr17-79479271-C-T.
Other names: c.110G>A, p.Arg37His (NM_001199954.3); short protein forms R37H.
Identifiers: ClinVar variation 3376428 (VCV003376428.2).
Genomic context (GRCh38, chr17:81,512,245, plus strand): 5'-CACCCCGCAACGCAGAACCCAGGAGCCCCGCGGCGCCATCCACTCACCTGGTGTCTGGGG[C>T]GCCCGACGATGGAAGGAAACACGGCTCGGGGAGCGTCGTCCCCAGCAAAACCAGCTTTGC-3'
Protein context (NP_001605.1, residues 27-47): PRAVFPSIVG[Arg37His]PRHQGVMVGM